The following is an entry in ClinVar:

NM_144670.6(A2ML1):c.3434C>A (p.Ser1145Tyr)

Gene: A2ML1 (alpha-2-macroglobulin like 1; plus strand). Cytogenetic location: 12p13.31.
Variant type: single nucleotide variant.
Coding change: c.3434C>A on transcript NM_144670.6 (MANE Select); coding-DNA position 3434, C replaced by A.
Protein change: p.Ser1145Tyr; replaces serine 1145 with tyrosine.
Molecular consequence: missense variant.
Genome position (GRCh38, 1-based): chr12:8,861,229, C>A. VCF-style: chr12-8861229-C-A. GRCh37 (hg19) VCF-style: chr12-9013825-C-A.
Other names: c.1961C>A, p.Ser654Tyr (NM_001282424.3); c.3434C>A (NM_144670.3); short protein forms S1145Y, S654Y.
Identifiers: ClinVar variation 2429309 (VCV002429309.7), dbSNP rs768331924, ClinGen allele CA383840781.

ClinVar aggregate classification (germline): Uncertain significance. Review status: criteria provided, multiple submitters, no conflicts (2 of 4 stars). 3 submissions from 3 submitters: Uncertain significance (3). Last evaluated 2025-11-16.

Submissions (3):

Ambry Genetics
Classification: Uncertain significance. Last evaluated: 2025-11-16. Review status: criteria provided, single submitter. Criteria: Ambry Variant Classification Scheme 2023. Collection method: clinical testing. Allele origin: germline.
Comment: The p.S1145Y variant (also known as c.3434C>A), located in coding exon 28 of the A2ML1 gene, results from a C to A substitution at nucleotide position 3434. The serine at codon 1145 is replaced by tyrosine, an amino acid with dissimilar properties. This amino acid position is conserved. In addition, this alteration is predicted to be tolerated by in silico analysis. Based on the available evidence, the clinical significance of this variant remains unclear.

Labcorp Genetics (formerly Invitae), Labcorp
Classification: Uncertain significance. Last evaluated: 2023-10-06. Review status: criteria provided, single submitter. Criteria: Invitae Variant Classification Sherloc (09022015). Collection method: clinical testing. Allele origin: germline.
Comment: This sequence change replaces serine, which is neutral and polar, with tyrosine, which is neutral and polar, at codon 1145 of the A2ML1 protein (p.Ser1145Tyr). This variant is not present in population databases (gnomAD no frequency). This variant has not been reported in the literature in individuals affected with A2ML1-related conditions. ClinVar contains an entry for this variant (Variation ID: 2429309). An algorithm developed to predict the effect of missense changes on protein structure and function (PolyPhen-2) suggests that this variant is likely to be disruptive. In summary, the available evidence is currently insufficient to determine the role of this variant in disease. Therefore, it has been classified as a Variant of Uncertain Significance.

Women's Health and Genetics/Laboratory Corporation of America, LabCorp
Classification: Uncertain significance. Last evaluated: 2023-01-09. Review status: criteria provided, single submitter. Criteria: LabCorp Variant Classification Summary - May 2015. Collection method: clinical testing. Allele origin: germline.
Comment: Variant summary: A2ML1 c.3434C>A (p.Ser1145Tyr) results in a non-conservative amino acid change located in the Alpha-macroglobulin-like, TED domain (IPR011626) of the encoded protein sequence. Three of five in-silico tools predict a damaging effect of the variant on protein function. The variant was absent in 249520 control chromosomes (gnomAD). The available data on variant occurrences in the general population are insufficient to allow any conclusion about variant significance. To our knowledge, no occurrence of c.3434C>A in individuals affected with Noonan Syndrome and no experimental evidence demonstrating its impact on protein function have been reported. No clinical diagnostic laboratories have submitted clinical-significance assessments for this variant to ClinVar after 2014. Based on the evidence outlined above, the variant was classified as uncertain significance.